The following is an entry in ClinVar:

NM_000038.6(APC):c.6495A>G (p.Pro2165=)

Gene: APC (APC regulator of Wnt signaling pathway; plus strand). Cytogenetic location: 5q22.2.
Variant type: single nucleotide variant.
Coding change: c.6495A>G on transcript NM_000038.6 (MANE Select); coding-DNA position 6495, A replaced by G.
Protein change: p.Pro2165=; no amino-acid change (proline 2165 retained).
Molecular consequence: synonymous variant. On other transcripts: non-coding transcript variant (2).
Genome position (GRCh38, 1-based): chr5:112,842,089, A>G. VCF-style: chr5-112842089-A-G. GRCh37 (hg19) VCF-style: chr5-112177786-A-G.
Other names: c.6495A>G, p.Pro2165= (NM_001127510.3, NM_001354895.2, NM_001407450.1); c.6441A>G, p.Pro2147= (NM_001127511.3); c.6549A>G, p.Pro2183= (NM_001354896.2, NM_001407447.1, NM_001407448.1 and 1 more transcripts); c.6525A>G, p.Pro2175= (NM_001354897.2); c.6420A>G, p.Pro2140= (NM_001354898.2); c.6411A>G, p.Pro2137= (NM_001354899.2); c.6372A>G, p.Pro2124= (NM_001354900.2); c.6318A>G, p.Pro2106= (NM_001354901.2, NM_001407453.1); and 11 more.
Identifiers: ClinVar variation 1753840 (VCV001753840.3), dbSNP rs2149966196, ClinGen allele CA446210596.

ClinVar aggregate classification (germline): Benign/Likely benign. Review status: criteria provided, multiple submitters, no conflicts (2 of 4 stars). 2 submissions from 2 submitters: Benign (1); Likely benign (1). Last evaluated 2024-04-04.

Conditions:
Hereditary cancer-predisposing syndrome. Also called: Neoplastic Syndromes, Hereditary; Tumor predisposition; Hereditary Cancer Syndrome; Hereditary neoplastic syndrome. Identifiers: Orphanet 140162, MedGen C0027672, MeSH D009386, MONDO:0015356.
Familial adenomatous polyposis 1 (FAP1). Also called: FAMILIAL ADENOMATOUS POLYPOSIS 1, ATTENUATED; POLYPOSIS, ADENOMATOUS INTESTINAL. Identifiers: MedGen C2713442, MONDO:0021056, OMIM 175100. Disease mechanism: loss of function.

gnomAD v4.1: 1 of 1,611,078 alleles (0.000062%); no homozygotes.

Submissions (2):

Myriad Genetics, Inc.
Classification: Benign for Familial adenomatous polyposis 1. Last evaluated: 2024-04-04. Review status: criteria provided, single submitter. Criteria: Myriad Autosomal Dominant, Autosomal Recessive and X-Linked Classification Criteria (2023). Collection method: clinical testing. Allele origin: unknown.
Comment: This variant is considered benign. This variant is a silent/synonymous amino acid change and it is not expected to impact splicing.

Ambry Genetics
Classification: Likely benign for Hereditary cancer-predisposing syndrome. Last evaluated: 2021-10-26. Review status: criteria provided, single submitter. Criteria: Ambry Variant Classification Scheme 2023. Collection method: clinical testing. Allele origin: germline.